The following is an entry in ClinVar:

NM_000195.5(HPS1):c.122C>T (p.Pro41Leu)

Gene: HPS1 (HPS1 biogenesis of lysosomal organelles complex 3 subunit 1; minus strand). Cytogenetic location: 10q24.2.
Variant type: single nucleotide variant.
Coding change: c.122C>T on transcript NM_000195.5 (MANE Select); coding-DNA position 122, C replaced by T.
Protein change: p.Pro41Leu; replaces proline 41 with leucine.
Molecular consequence: missense variant. On other transcripts: 5 prime UTR variant (6).
Genome position (GRCh38, 1-based): chr10:98,435,768, G>A on the plus strand (C>T on the coding strand, the complement: HPS1 is on the minus strand). VCF-style: chr10-98435768-G-A. GRCh37 (hg19) VCF-style: chr10-100195525-G-A.
Other names: c.122C>T (NM_000195.4); c.-795C>T (NM_001311345.2); c.122C>T, p.Pro41Leu (NM_001322476.2, NM_001322477.2, NM_001322478.2 and 8 more transcripts); c.-105C>T (NM_001322483.2, NM_001322484.2, NM_001322485.2); c.-894C>T (NM_001322487.2); c.-652C>T (NM_001322489.2); short protein forms P41L.
Identifiers: ClinVar variation 298355 (VCV000298355.18), dbSNP rs142934882, ClinGen allele CA5639494.

ClinVar aggregate classification (germline): Conflicting classifications of pathogenicity. Review status: criteria provided, conflicting classifications (1 of 4 stars). 5 submissions from 5 submitters: Uncertain significance (3); Likely benign (1). 1 of the submissions does not count toward it. Last evaluated 2026-08-18.

Conditions:
Inborn genetic diseases. Identifiers: MedGen C0950123, MeSH D030342.
Hermansky-Pudlak syndrome 1 (HPS1). Also called: DELTA STORAGE POOL DISEASE. Identifiers: Orphanet 231500, Orphanet 79430, MedGen C2931875, MONDO:0008748, OMIM 203300.
HPS1-related disorder. Also called: HPS1-related condition.

Allele frequency attached by ClinVar (database versions not stated): gnomAD 0.00068; TOPMed 0.00070; 1000 Genomes Project 30x 0.00016; gnomAD exomes 0.00006; ESP Exome Variant Server 0.00054.
gnomAD v4.1: 181 of 1,614,182 alleles (0.011%); highest among the groups gnomAD compares: African/African-American, 0.22%; no homozygotes.

Submissions (5):

Ambry Genetics
Classification: Uncertain significance for Inborn genetic diseases. Last evaluated: 2026-08-18. Review status: criteria provided, single submitter. Criteria: Ambry Variant Classification Scheme 2023. Collection method: clinical testing. Allele origin: germline.

Labcorp Genetics (formerly Invitae), Labcorp
Classification: Likely benign. Last evaluated: 2026-01-11. Review status: criteria provided, single submitter. Criteria: Invitae Variant Classification Sherloc (09022015). Collection method: clinical testing. Allele origin: germline.

Revvity Omics, Revvity
Classification: Uncertain significance for Hermansky-Pudlak syndrome 1. Last evaluated: 2019-04-10. Review status: criteria provided, single submitter. Criteria: ACMG Guidelines, 2015. Collection method: clinical testing. Allele origin: germline.

Illumina Laboratory Services, Illumina
Classification: Uncertain significance for Hermansky-Pudlak syndrome 1. Last evaluated: 2018-01-13. Review status: criteria provided, single submitter. Criteria: ICSL Variant Classification Criteria 13 December 2019. Collection method: clinical testing. Allele origin: germline.

PreventionGenetics, part of Exact Sciences
Classification: Likely benign for HPS1-related condition. Last evaluated: 2022-04-19. Review status: no assertion criteria provided. Collection method: clinical testing. Allele origin: germline. Not counted in ClinVar's aggregate classification.
Comment: This variant is classified as likely benign based on ACMG/AMP sequence variant interpretation guidelines (Richards et al. 2015 PMID: 25741868, with internal and published modifications).